The following is an entry in ClinVar:

NM_138704.4(NSMCE3):c.107C>G (p.Ala36Gly)

Genes: ENTREP2 (endosomal transmembrane epsin interactor 2; minus strand), NSMCE3 (NSE3 homolog, SMC5-SMC6 complex component; minus strand). Cytogenetic location: 15q13.1.
Variant type: single nucleotide variant.
Coding change: c.107C>G on transcript NM_138704.4 (MANE Select); coding-DNA position 107, C replaced by G.
Protein change: p.Ala36Gly; replaces alanine 36 with glycine.
Molecular consequence: missense variant. On other transcripts: intron variant (5).
Genome position (GRCh38, 1-based): chr15:29,269,599, G>C on the plus strand (C>G on the coding strand, the complement: NSMCE3 is on the minus strand). VCF-style: chr15-29269599-G-C. GRCh37 (hg19) VCF-style: chr15-29561803-G-C.
Other names: c.-12-17121C>G (NM_001387217.1, NM_001387215.1, NM_001387216.1); c.277-17121C>G (NM_001387214.1, NM_015307.2); short protein forms A36G.
Identifiers: ClinVar variation 1965597 (VCV001965597.2), dbSNP rs201005348, ClinGen allele CA7446231.
Genomic context (GRCh38, chr15:29,269,599, plus strand): 5'-CCGCCCGGCCCGCGGGACGTGCTCGGGGCCTCCTCGGCAAAGCCGTCTCTGAGAACCCGG[G>C]CGTCTTCCCCGGCCCGCGAAGCCCCGGGGTTTCCGCTATGGCTCCAGTCTCTGTCCCTCT-3'
Protein context (NP_619649.1, residues 26-46): NPGASRAGED[Ala36Gly]RVLRDGFAEE

ClinVar aggregate classification (germline): Uncertain significance (1 of 4 stars; one submission).

gnomAD v4.1: 11 of 1,556,224 alleles (0.00071%); highest among the groups gnomAD compares: South Asian, 0.013%; no homozygotes.

Submission:

Labcorp Genetics (formerly Invitae), Labcorp
Classification: Uncertain significance. Last evaluated: 2022-08-13. Review status: criteria provided, single submitter. Criteria: Invitae Variant Classification Sherloc (09022015). Collection method: clinical testing. Allele origin: germline.
Comment: This sequence change replaces alanine, which is neutral and non-polar, with glycine, which is neutral and non-polar, at codon 36 of the NSMCE3 protein (p.Ala36Gly). This variant is present in population databases (rs201005348, gnomAD 0.01%). This variant has not been reported in the literature in individuals affected with NSMCE3-related conditions. Algorithms developed to predict the effect of missense changes on protein structure and function output the following: SIFT: "Tolerated"; PolyPhen-2: "Benign"; Align-GVGD: "Class C0". The glycine amino acid residue is found in multiple mammalian species, which suggests that this missense change does not adversely affect protein function. In summary, the available evidence is currently insufficient to determine the role of this variant in disease. Therefore, it has been classified as a Variant of Uncertain Significance.